The following is an entry in ClinVar:

ClinVar aggregate classification (germline): Uncertain significance (1 of 4 stars; one submission).

Conditions:
Methylmalonic acidemia due to transcobalamin receptor defect (MATR). Also called: METHYLMALONIC ACIDEMIA, TCblR TYPE; METHYLMALONIC ACIDURIA, TRANSIENT, DUE TO TRANSCOBALAMIN RECEPTOR DEFECT. Identifiers: Orphanet 280183, MedGen C4749905, MONDO:0013341, OMIM 613646.

Submission:

Labcorp Genetics (formerly Invitae), Labcorp
Classification: Uncertain significance for Methylmalonic acidemia due to transcobalamin receptor defect. Last evaluated: 2021-10-10. Review status: criteria provided, single submitter. Criteria: Invitae Variant Classification Sherloc (09022015). Collection method: clinical testing. Allele origin: germline.
Comment: This variant has not been reported in the literature in individuals affected with CD320-related conditions. Algorithms developed to predict the effect of missense changes on protein structure and function output the following: SIFT: "Tolerated"; PolyPhen-2: "Benign"; Align-GVGD: "Class C0". The valine amino acid residue is found in multiple mammalian species, which suggests that this missense change does not adversely affect protein function. In summary, the available evidence is currently insufficient to determine the role of this variant in disease. Therefore, it has been classified as a Variant of Uncertain Significance. This sequence change replaces alanine with valine at codon 11 of the CD320 protein (p.Ala11Val). The alanine residue is moderately conserved and there is a small physicochemical difference between alanine and valine. This variant is present in population databases (rs567898376, ExAC 0.05%).

NM_016579.4(CD320):c.32C>T (p.Ala11Val)

Gene: CD320 (CD320 molecule; minus strand). Cytogenetic location: 19p13.2.
Variant type: single nucleotide variant.
Coding change: c.32C>T on transcript NM_016579.4 (MANE Select); coding-DNA position 32, C replaced by T.
Protein change: p.Ala11Val; replaces alanine 11 with valine.
Molecular consequence: missense variant.
Genome position (GRCh38, 1-based): chr19:8,308,259, G>A on the plus strand (C>T on the coding strand, the complement: CD320 is on the minus strand). VCF-style: chr19-8308259-G-A. GRCh37 (hg19) VCF-style: chr19-8373143-G-A.
Other names: c.32C>T, p.Ala11Val (NM_001165895.2); short protein forms A11V.
Identifiers: ClinVar variation 1523982 (VCV001523982.6), dbSNP rs567898376, ClinGen allele CA9154869.